The following is an entry in ClinVar:

NM_000051.4(ATM):c.5185G>C (p.Val1729Leu)

Gene: ATM (ATM serine/threonine kinase; plus strand). Cytogenetic location: 11q22.3.
Variant type: single nucleotide variant.
Coding change: c.5185G>C on transcript NM_000051.4 (MANE Select); coding-DNA position 5185, G replaced by C.
Protein change: p.Val1729Leu; replaces valine 1729 with leucine.
Molecular consequence: missense variant.
Genome position (GRCh38, 1-based): chr11:108,301,655, G>C. VCF-style: chr11-108301655-G-C. GRCh37 (hg19) VCF-style: chr11-108172382-G-C.
Other names: p.V1729L:GTT>CTT; c.5185G>C, p.Val1729Leu (NM_001351834.2); short protein forms V1729L.
Identifiers: ClinVar variation 127401 (VCV000127401.64), dbSNP rs3092907, ClinGen allele CA286876.

ClinVar aggregate classification (germline): Conflicting classifications of pathogenicity. Review status: criteria provided, conflicting classifications (1 of 4 stars). 28 submissions from 28 submitters: Uncertain significance (13); Likely benign (6). 9 of the submissions do not count toward it. Last evaluated 2026-09-02.

Conditions:
ATM-related cancer predisposition. Also called: ATM-related cancer susceptibility. Identifiers: MedGen CN377759, MONDO:0700270.
ATM-related disorder. Also called: ATM-related disorders; ATM-related condition.
Inherited breast cancer and ovarian cancer.
Hereditary cancer-predisposing syndrome. Also called: Hereditary neoplastic syndrome; Neoplastic Syndromes, Hereditary; Tumor predisposition; Hereditary Cancer Syndrome. Identifiers: Orphanet 140162, MedGen C0027672, MeSH D009386, MONDO:0015356.
Hereditary breast ovarian cancer syndrome. Also called: BRCA1- and BRCA2-Associated Hereditary Breast and Ovarian Cancer; Hereditary breast and ovarian cancer syndrome; Hereditary breast and/or ovarian cancer syndrome; Hereditary breast and ovarian cancer; Hereditary breast and ovarian cancer syndrome (HBOC); Breast and ovarian cancer. Identifiers: Orphanet 145, MedGen C0677776, MeSH D061325, MONDO:0003582. Disease mechanism: loss of function.
Familial cancer of breast. Also called: hereditary breast carcinoma; BREAST CANCER, FAMILIAL; Hereditary breast cancer. Identifiers: Orphanet 227535, MedGen C0346153, MONDO:0016419, OMIM 114480. Disease mechanism: loss of function.
Ataxia-telangiectasia syndrome (AT). Also called: LOUIS-BAR SYNDROME; ATAXIA-TELANGIECTASIA, COMPLEMENTATION GROUP A; ATAXIA-TELANGIECTASIA, FRESNO VARIANT; Ataxia-telangiectasia; Ataxia telangiectasia (A-T); Ataxia-telangiectasia, complementation group D. Identifiers: Orphanet 100, MedGen C0004135, MONDO:0008840, OMIM 208900.

Allele frequency attached by ClinVar (database versions not stated): gnomAD exomes 0.00008 and 0.00010; gnomAD 0.00011; TOPMed 0.00027.
gnomAD v4.1: 145 of 1,613,474 alleles (0.009%); highest among the groups gnomAD compares: Middle Eastern, 0.12%; no homozygotes.

Submissions 1 to 11 of 28:

GeneDx
Classification: Uncertain significance. Last evaluated: 2026-09-02. Review status: criteria provided, single submitter. Criteria: GeneDx Variant Classification Process June 2021. Collection method: clinical testing. Allele origin: germline.
Comment: Observed in individuals with ataxia-telangiectasia, including one individual who also carried a homozygous pathogenic ATM variant and another who carried a heterozygous ATM pathogenic variant on the opposite allele (in trans) (PMID: 17124347, 29482223, 33779842); Observed in individuals with breast, colorectal, uterine, pancreatic, and prostate cancer (PMID: 28640387, 29522266, 29684080, 30303537, 33471991, 33436325, 35264596, 35534704, 38895864); In silico analysis suggests that this missense variant does not alter protein structure/function; This variant is associated with the following publications: (PMID: 11443540, 17124347, 22529920, 28640387, 29482223, 28652578, 29684080, 29522266, 19781682, 26689913, 30303537, 33203166, 33436325, 32522261, 35980532, 35264596, 37450374, 34482403, 33779842, 37745463, 37529773, 35534704, 39256447, 33471991, 38895864)

OLLIN Analises Genomicas, OLLIN
Classification: Uncertain significance for Familial cancer of breast. Last evaluated: 2026-08-06. Review status: criteria provided, single submitter. Criteria: ACMG Guidelines 2015 PMID 25741868. Collection method: clinical testing. Allele origin: germline. Inheritance: Autosomal recessive inheritance.
Comment: This missense variant, located in exon 35 (of 63), has been reported in ClinVar (accession VCV001745881.2) and in gnomAD with an allele frequency of 0.009%. However, to our knowledge, it has not been reported in the scientific literature. In silico analysis is inconclusive regarding the impact of this variant. According to the currently available evidence, this variant has been classified as uncertain significance (no ACMG criteria applicable).

Women's Health and Genetics/Laboratory Corporation of America, LabCorp
Classification: Uncertain significance. Last evaluated: 2026-03-31. Review status: criteria provided, single submitter. Criteria: LabCorp Variant Classification Summary - May 2015. Collection method: clinical testing. Allele origin: germline.
Comment: Variant summary: ATM c.5185G>C (p.Val1729Leu) results in a conservative amino acid change in the encoded protein sequence. Algorithms developed to predict the effect of missense changes on protein structure and function are either unavailable or do not agree on the potential impact of this missense change. The variant allele was found at a frequency of 0.0001 in 251330 control chromosomes. This frequency is not significantly higher than estimated for a pathogenic variant in ATM causing Ataxia-Telangiectasia (0.0001 vs 0.004), allowing no conclusion about variant significance. c.5185G>C has been reported in the literature as a "polymorphism" in a study of individuals affected with Ataxia-Telangiectasia, as a VUS in settings of multigene panel testing in individuals with a personal and/or family history of breast cancer or pancreatic cancer, and in unaffected controls (example, Magliozzi_2006, Tavtigian_2009, Pereira_2022, Rodrigues_2024). In one family the variant is reported to segregate with disease (example: Shalash_2021). However, these reports do not provide unequivocal conclusions about a penetrant association of the variant with Ataxia-Telangiectasia/ATM-related cancers. To our knowledge, no experimental evidence demonstrating an impact on protein function has been reported. The following publications have been ascertained in the context of this evaluation (PMID: 22529920, 35264596, 33436325, 17124347, 35980532, 33779842, 19781682, 11443540, 39256447). ClinVar contains an entry for this variant (Variation ID: 127401). Based on the evidence outlined above, the variant was classified as uncertain significance.

Labcorp Genetics (formerly Invitae), Labcorp
Classification: Likely benign for Ataxia-telangiectasia syndrome. Last evaluated: 2026-02-02. Review status: criteria provided, single submitter. Criteria: Invitae Variant Classification Sherloc (09022015). Collection method: clinical testing. Allele origin: germline.

Center for Genomic Medicine, Rigshospitalet, Copenhagen University Hospital
Classification: Uncertain significance. Last evaluated: 2025-12-29. Review status: criteria provided, single submitter. Criteria: ACMG Guidelines, 2015. Collection method: clinical testing. Allele origin: germline.

Athena Diagnostics
Classification: Uncertain significance. Last evaluated: 2025-09-19. Review status: criteria provided, single submitter. Criteria: Athena Diagnostics Criteria. Collection method: clinical testing. Allele origin: unknown.
Comment: Available data are insufficient to determine the clinical significance of the variant at this time. The frequency of this variant in the general population is uninformative in assessment of its pathogenicity. This variant appears to segregate with disease in at least one family. Polyphen and MutationTaster predict this amino acid change may be benign.

Quest Diagnostics Nichols Institute San Juan Capistrano
Classification: Uncertain significance. Last evaluated: 2025-09-19. Review status: criteria provided, single submitter. Criteria: Quest Diagnostics criteria. Collection method: clinical testing. Allele origin: unknown.
Comment: The ATM c.5185G>C (p.Val1729Leu) variant has been reported in individuals affected with ataxia telangiectasia (AT) (PMID: 17124347 (2006), 33779842 (2021)) or cerebellar ataxia (PMID: 29482223 (2018)). It has also been reported in individuals affected with breast cancer (PMID: 29522266 (2018), 30303537 (2019), 33471991 (2021), see also LOVD, 35264596 (2022), 35534704 (2022)), uterine cancer (PMID: 29684080 (2018)), prostate cancer (PMID: 33436325 (2021)), colorectal cancer (PMID: 28640387 (2017)), pancreatic cancer (PMID: 39256447 (2024)), and pheochromocytomas and paragangliomas (PPGL) (PMID: 37529773 (2023)). Additionally, this variant has also been found in reportedly unaffected individuals (PMID: 28652578 (2017), 33471991 (2021), see also LOVD). The frequency of this variant in the general population (Genome Aggregation Database) is uninformative in the assessment of its pathogenicity. Analysis of this variant using bioinformatics tools for the prediction of the effect of amino acid changes on protein structure and function yielded predictions that this variant is benign. Based on the available information, we are unable to determine the clinical significance of this variant.

Genetics Laboratory, Great Ormond Street Hospital NHS Foundation Trust, North Thames Genomic Laboratory Hub
Classification: Uncertain significance for Inherited breast cancer and ovarian cancer. Last evaluated: 2025-09-10. Review status: criteria provided, single submitter. Criteria: ClinGen HBOP ACMG Specifications ATM Version 1.3. Collection method: clinical testing. Allele origin: germline. Affected: yes.
Comment: PM2_supporting, PM3_strong

German Consortium for Hereditary Breast and Ovarian Cancer, University Hospital Cologne
Classification: Uncertain significance for Hereditary breast ovarian cancer syndrome. Last evaluated: 2025-04-02. Review status: criteria provided, single submitter. Criteria: ClinGen ATM V1.3.0. Collection method: curation. Allele origin: germline.
Comment: According to the ClinGen ACMG ATM v1.3.0 criteria we chose this criterion: PM3 (strong pathogenic): Shalash (2021, PMID: 33779842): detected in two siblings with AT (Phenotype confident) --> 4P Coutelier (2018, PMID: 29482223): detected homozygous in patient also carrying hom NM_000051.3:c.9022C>T (ClinVar ID: 142187); reviewed through VCEP as likely pathogenic --> 0P

Hema, HEMA – Genetic and Molecular Diagnostic Laboratory
Classification: Uncertain significance for ATM-related cancer predisposition. Last evaluated: 2025-03-12. Review status: criteria provided, single submitter. Criteria: HEMA Variant Classification Assertion Criteria. Collection method: clinical testing. Allele origin: germline.
Comment: The c.5185G>C p.(Val1729Leu) variant is a transversion from guanine to cytosine, resulting in the substitution of valine 1729 with leucine in the ATM protein. PM3_Strong: The variant has been reported in compound heterozygosity with a pathogenic variant in an individual with ataxia telangiectasia (PMID: 33779842). PP1: The variant cosegregated with ataxia telangiectasia in an affected individual with ataxia telangiectasia and in an unaffected individual (PMID: 33779842).

Blueprint Genetics
Classification: Uncertain significance. Last evaluated: 2024-09-23. Review status: criteria provided, single submitter. Criteria: ACMG Guidelines, 2015. Collection method: clinical testing. Allele origin: germline.